The following is an entry in ClinVar:

ClinVar aggregate classification (germline): Likely benign (1 of 4 stars; one submission).

Allele frequency attached by ClinVar (database versions not stated): ExAC 0.00004; gnomAD 0.00006; gnomAD exomes 0.00017; ESP Exome Variant Server 0.00027.
gnomAD v4.1: 236 of 1,367,424 alleles (0.017%); highest among the groups gnomAD compares: Non-Finnish European, 0.02%; 56 homozygotes.

Submission:

CeGaT Center for Human Genetics Tuebingen
Classification: Likely benign. Last evaluated: 2025-12-01. Review status: criteria provided, single submitter. Criteria: CeGaT Center For Human Genetics Tuebingen Variant Classification Criteria Version 2. Collection method: clinical testing. Allele origin: germline. Affected: yes. Observed: 2 variant alleles.
Comment: CFHR3: BP4, BP7, BS2

NM_021023.6(CFHR3):c.753A>G (p.Val251=)

Gene: CFHR3 (complement factor H related 3; plus strand). Cytogenetic location: 1q31.3.
Variant type: single nucleotide variant.
Coding change: c.753A>G on transcript NM_021023.6 (MANE Select); coding-DNA position 753, A replaced by G.
Protein change: p.Val251=; no amino-acid change (valine 251 retained).
Molecular consequence: synonymous variant.
Genome position (GRCh38, 1-based): chr1:196,790,184, A>G. VCF-style: chr1-196790184-A-G. GRCh37 (hg19) VCF-style: chr1-196759314-A-G.
Other names: c.570A>G, p.Val190= (NM_001166624.2).
Identifiers: ClinVar variation 2639687 (VCV002639687.24), dbSNP rs369359160, ClinGen allele CA1306264.
Genomic context (GRCh38, chr1:196,790,184, plus strand): 5'-ACAGTCAAGAGTCGAGTACCAATGCCAGCCCTACTATGAACTTCAGGGTTCTAATTATGT[A>G]ACATGTAGTAATGGAGAGTGGTCGGAACCACCAAGATGCATACGTAAGTTCTTAAAATTC-3'
Protein context (NP_066303.2, residues 241-261): PYYELQGSNY[Val251=]TCSNGEWSEP